The following is an entry in ClinVar:

NM_001374736.1(DST):c.1029A>G (p.Thr343=)

Gene: DST (dystonin; minus strand). Cytogenetic location: 6p12.1.
Variant type: single nucleotide variant.
Coding change: c.1029A>G on transcript NM_001374736.1 (MANE Select); coding-DNA position 1029, A replaced by G.
Protein change: p.Thr343=; no amino-acid change (threonine 343 retained).
Molecular consequence: synonymous variant.
Genome position (GRCh38, 1-based): chr6:56,699,671, T>C on the plus strand (A>G on the coding strand, the complement: DST is on the minus strand). VCF-style: chr6-56699671-T-C. GRCh37 (hg19) VCF-style: chr6-56564469-T-C.
Other names: c.930A>G, p.Thr310= (NM_001144769.5); c.516A>G, p.Thr172= (NM_001144770.2); c.1029A>G, p.Thr343= (NM_001374722.1); c.396A>G, p.Thr132= (NM_001374729.1, NM_001374730.1, NM_001386100.1 and 1 more transcripts); c.1056A>G, p.Thr352= (NM_001374734.1).
Identifiers: ClinVar variation 5001923 (VCV005001923.1).

ClinVar aggregate classification (germline): Likely benign (1 of 4 stars; one submission).

Conditions:
DST-related disorder. Also called: DST-related disorders; DST-related condition.

gnomAD v4.1: 7 of 1,526,142 alleles (0.00046%); highest among the groups gnomAD compares: African/African-American, 0.0056%; no homozygotes.

Submission:

PreventionGenetics, part of Exact Sciences
Classification: Likely benign for DST-related condition. Last evaluated: 2025-03-27. Review status: criteria provided, single submitter. Criteria: ACMG Guidelines, 2015. Collection method: clinical testing. Allele origin: germline.
Comment: This variant is classified as likely benign based on ACMG/AMP sequence variant interpretation guidelines (Richards et al. 2015 PMID: 25741868, with internal and published modifications).